The following is an entry in ClinVar:

ClinVar aggregate classification (germline): Uncertain significance. Review status: criteria provided, multiple submitters, no conflicts (2 of 4 stars). 2 submissions from 2 submitters: Uncertain significance (2). Last evaluated 2025-06-30.

Conditions:
RYR1-related disorder. Also called: RYR1-related disorders; RYR1-related condition. Identifiers: MedGen CN239331.
Malignant hyperthermia, susceptibility to, 1 (MHS1). Also called: RYR1-Related Malignant Hyperthermia Susceptibility; Malignant hyperthermia suceptibility 1; Anesthesia related hyperthermia; Malignant hyperpyrexia; Fulminating hyperpyrexia; Pharmacogenic myopathy. Identifiers: Orphanet 423, MedGen C2930980, MONDO:0007783, OMIM 145600.

gnomAD v4.1: 3 of 1,613,810 alleles (0.00019%); highest among the groups gnomAD compares: Non-Finnish European, 0.00025%; no homozygotes.

Submissions (2):

Color Diagnostics, LLC DBA Color Health
Classification: Uncertain significance for Malignant hyperthermia, susceptibility to, 1. Last evaluated: 2025-06-30. Review status: criteria provided, single submitter. Criteria: ACMG Guidelines, 2015. Collection method: clinical testing. Allele origin: germline.
Comment: This missense variant replaces valine with glycine at codon 2986 of the RYR1 protein. Computational prediction suggests that this variant may not impact protein structure and function. To our knowledge, functional studies have not been reported for this variant. This variant has not been reported in individuals affected with RYR1-related disorders in the literature. This variant has not been identified in the general population by the Genome Aggregation Database (gnomAD). The available evidence is insufficient to determine the role of this variant in disease conclusively. Therefore, this variant is classified as a Variant of Uncertain Significance.

Labcorp Genetics (formerly Invitae), Labcorp
Classification: Uncertain significance for RYR1-related disorder. Last evaluated: 2025-03-18. Review status: criteria provided, single submitter. Criteria: Invitae Variant Classification Sherloc (09022015). Collection method: clinical testing. Allele origin: germline.
Comment: This sequence change replaces valine, which is neutral and non-polar, with glycine, which is neutral and non-polar, at codon 2986 of the RYR1 protein (p.Val2986Gly). This variant is not present in population databases (gnomAD no frequency). This variant has not been reported in the literature in individuals affected with RYR1-related conditions. Invitae Evidence Modeling of protein sequence and biophysical properties (such as structural, functional, and spatial information, amino acid conservation, physicochemical variation, residue mobility, and thermodynamic stability) indicates that this missense variant is not expected to disrupt RYR1 protein function with a negative predictive value of 95%. In summary, the available evidence is currently insufficient to determine the role of this variant in disease. Therefore, it has been classified as a Variant of Uncertain Significance.

NM_000540.3(RYR1):c.8957T>G (p.Val2986Gly)

Gene: RYR1 (ryanodine receptor 1; plus strand). Cytogenetic location: 19q13.2.
Variant type: single nucleotide variant.
Coding change: c.8957T>G on transcript NM_000540.3 (MANE Select); coding-DNA position 8957, T replaced by G.
Protein change: p.Val2986Gly; replaces valine 2986 with glycine.
Molecular consequence: missense variant.
Genome position (GRCh38, 1-based): chr19:38,510,522, T>G. VCF-style: chr19-38510522-T-G. GRCh37 (hg19) VCF-style: chr19-39001162-T-G.
Other names: c.8957T>G, p.Val2986Gly (NM_001042723.2); short protein forms V2986G.
Identifiers: ClinVar variation 4757359 (VCV004757359.2).